The following is an entry in ClinVar:

NM_015135.3(NUP205):c.5703A>G (p.Leu1901=)

Gene: NUP205 (nucleoporin 205; plus strand). Cytogenetic location: 7q33.
Variant type: single nucleotide variant.
Coding change: c.5703A>G on transcript NM_015135.3 (MANE Select); coding-DNA position 5703, A replaced by G.
Protein change: p.Leu1901=; no amino-acid change (leucine 1901 retained).
Molecular consequence: synonymous variant.
Genome position (GRCh38, 1-based): chr7:135,645,487, A>G. VCF-style: chr7-135645487-A-G. GRCh37 (hg19) VCF-style: chr7-135330235-A-G.
Other names: c.4629A>G, p.Leu1543= (NM_001329434.2).
Identifiers: ClinVar variation 754606 (VCV000754606.27), dbSNP rs200298339, ClinGen allele CA4499260.

ClinVar aggregate classification (germline): Likely benign. Review status: criteria provided, multiple submitters, no conflicts (2 of 4 stars). 2 submissions from 2 submitters: Likely benign (2). Last evaluated 2022-04-01.

Allele frequency attached by ClinVar (database versions not stated): ExAC 0.00003; gnomAD 0.00003 and 0.00004; TOPMed 0.00003.

Submissions (2):

CeGaT Center for Human Genetics Tuebingen
Classification: Likely benign. Last evaluated: 2022-04-01. Review status: criteria provided, single submitter. Criteria: CeGaT Center For Human Genetics Tuebingen Variant Classification Criteria Version 2. Collection method: clinical testing. Allele origin: germline. Affected: yes. Observed: 2 variant alleles.
Comment: NUP205: BP4, BP7

Labcorp Genetics (formerly Invitae), Labcorp
Classification: Likely benign. Last evaluated: 2018-06-22. Review status: criteria provided, single submitter. Criteria: Invitae Variant Classification Sherloc (09022015). Collection method: clinical testing. Allele origin: germline.